The following is an entry in ClinVar:

ClinVar aggregate classification (germline): Conflicting classifications of pathogenicity. Review status: criteria provided, conflicting classifications (1 of 4 stars). 2 submissions from 2 submitters: Pathogenic (1); Uncertain significance (1). Last evaluated 2019-06-18.

Conditions:
Spinal muscular atrophy-progressive myoclonic epilepsy syndrome. Also called: Spinal Muscular Atrophy with Progressive Myoclonic Epilepsy (SMA-PME); MYOCLONUS, HEREDITARY, WITH PROGRESSIVE DISTAL MUSCULAR ATROPHY; Spinal muscular atrophy with progressive myoclonic epilepsy; Hereditary myoclonus and progressive distal muscular atrophy. Identifiers: Orphanet 2590, MedGen C1834569, MONDO:0008045, OMIM 159950.

Allele frequency attached by ClinVar (database versions not stated): gnomAD exomes below 0.00001 and 0.00001; TOPMed below 0.00001; ExAC 0.00001.
gnomAD v4.1: 1 of 1,614,130 alleles (0.000062%); highest among the groups gnomAD compares: African/African-American, 0.0013%; no homozygotes.

Submissions (2):

Medical Affairs, Dicerna Pharmaceuticals
Classification: Pathogenic for Spinal muscular atrophy-progressive myoclonic epilepsy syndrome. Last evaluated: 2019-06-18. Review status: criteria provided, single submitter. Criteria: ACMG Guidelines, 2015. Collection method: literature only. Allele origin: inherited. Inheritance: Autosomal recessive inheritance. Affected: yes. Observed: 2 variant alleles.
Comment: It is our recommendation to update the status of variant c.536C>T from VUS to pathogenic due to recent publications discussing the pathogenicity of this variant. Multiple patients have been diagnosed with SMA-PME who carry the c.546C>T variant. In Sathe et al., 2014, DOI: 10.1016/j.ymgme.2013.12.226, the patient presented with SMA-PME according to Gene Reviews. Compound heterozygous variants, c.536C>T and c.125A>G, were identified in the patient using whole genome sequencing. Variant c.536C>T has been identified in an additional unrelated patients diagnosed with SMA-PME including a patient listed in Clinvar and identified at Baylor College of Medicine (SCV000807360.1) and 1 patient published in Cozma et al., 2017, DOI:10.1038/s41598-017-06604-2. Ceramide biomarker analysis in this patient (Cozma et al., 2017) along with 9 additional Farber disease patients and 2 SMA-PME patients demonstrated that C26:0 levels were significantly higher in Farber patients and SMA-PME patients compared to controls.

Baylor Genetics
Classification: Uncertain significance for Spinal muscular atrophy-progressive myoclonic epilepsy syndrome. Last evaluated: 2017-09-01. Review status: criteria provided, single submitter. Criteria: ACMG Guidelines, 2015. Collection method: clinical testing. Allele origin: paternal. Inheritance: Autosomal recessive inheritance. Affected: yes.

Literature cited by the submitters: DOI 10.1016/j.ymgme.2013.12.226 (cited by Medical Affairs, Dicerna Pharmaceuticals); PubMed 25326635 (cited by Baylor Genetics).

NM_177924.5(ASAH1):c.536C>T (p.Thr179Ile)

Gene: ASAH1 (N-acylsphingosine amidohydrolase 1; minus strand). Cytogenetic location: 8p22.
Variant type: single nucleotide variant.
Coding change: c.536C>T on transcript NM_177924.5 (MANE Select); coding-DNA position 536, C replaced by T.
Protein change: p.Thr179Ile; replaces threonine 179 with isoleucine.
Molecular consequence: missense variant.
Genome position (GRCh38, 1-based): chr8:18,062,391, G>A on the plus strand (C>T on the coding strand, the complement: ASAH1 is on the minus strand). VCF-style: chr8-18062391-G-A. GRCh37 (hg19) VCF-style: chr8-17919900-G-A.
Other names: c.518C>T, p.Thr173Ile (NM_001127505.3); c.341C>T, p.Thr114Ile (NM_001363743.2); c.584C>T, p.Thr195Ile (NM_004315.6); short protein forms T179I, T195I, T114I, T173I.
Identifiers: ClinVar variation 560956 (VCV000560956.4), dbSNP rs766257867, ClinGen allele CA4650789.